The following is an entry in ClinVar:

NM_001112741.2(KCNC1):c.421G>T (p.Asp141Tyr)

Gene: KCNC1 (potassium voltage-gated channel subfamily C member 1; plus strand). Cytogenetic location: 11p15.1.
Variant type: single nucleotide variant.
Coding change: c.421G>T on transcript NM_001112741.2 (MANE Select); coding-DNA position 421, G replaced by T.
Protein change: p.Asp141Tyr; replaces aspartic acid 141 with tyrosine.
Molecular consequence: missense variant.
Genome position (GRCh38, 1-based): chr11:17,736,423, G>T. VCF-style: chr11-17736423-G-T. GRCh37 (hg19) VCF-style: chr11-17757970-G-T.
Other names: c.421G>T, p.Asp141Tyr (NM_004976.4); short protein forms D141Y.
Identifiers: ClinVar variation 661955 (VCV000661955.13), dbSNP rs376363769, ClinGen allele CA5906670.
Genomic context (GRCh38, chr11:17,736,423, plus strand): 5'-AGCTTCGGCGGCGCTCCTCTGGACAACAGCGCCGACGACGCGGACGCCGACGGCCCTGGC[G>T]ACTCGGGCGACGGCGAGGACGAGCTGGAGATGACCAAGCGCCTGGCGCTCAGTGACTCCC-3'
Protein context (NP_001106212.1, residues 131-151): ADDADADGPG[Asp141Tyr]SGDGEDELEM

ClinVar aggregate classification (germline): Conflicting classifications of pathogenicity. Review status: criteria provided, conflicting classifications (1 of 4 stars). 3 submissions from 3 submitters: Uncertain significance (2); Likely benign (1). Last evaluated 2026-02-02.

Conditions:
Progressive myoclonic epilepsy type 7. Identifiers: Orphanet 435438, MedGen C4015420, MONDO:0014521, OMIM 616187.
Inborn genetic diseases. Identifiers: MedGen C0950123, MeSH D030342.

Allele frequency attached by ClinVar (database versions not stated): gnomAD exomes 0.00007 and 0.00012; ESP Exome Variant Server 0.00008; TOPMed 0.00008; ExAC 0.00009; gnomAD 0.00009.

Submissions (3):

Labcorp Genetics (formerly Invitae), Labcorp
Classification: Uncertain significance for Progressive myoclonic epilepsy type 7. Last evaluated: 2026-02-02. Review status: criteria provided, single submitter. Criteria: Invitae Variant Classification Sherloc (09022015). Collection method: clinical testing. Allele origin: germline.
Comment: This sequence change replaces aspartic acid, which is acidic and polar, with tyrosine, which is neutral and polar, at codon 141 of the KCNC1 protein (p.Asp141Tyr). This variant is present in population databases (rs376363769, gnomAD 0.01%). This variant has not been reported in the literature in individuals affected with KCNC1-related conditions. ClinVar contains an entry for this variant (Variation ID: 661955). Invitae Evidence Modeling of protein sequence and biophysical properties (such as structural, functional, and spatial information, amino acid conservation, physicochemical variation, residue mobility, and thermodynamic stability) indicates that this missense variant is expected to disrupt KCNC1 protein function with a positive predictive value of 95%. In summary, the available evidence is currently insufficient to determine the role of this variant in disease. Therefore, it has been classified as a Variant of Uncertain Significance.

Center for Genomics, Ann and Robert H. Lurie Children's Hospital of Chicago
Classification: Uncertain significance for Progressive myoclonic epilepsy type 7. Last evaluated: 2021-03-30. Review status: criteria provided, single submitter. Criteria: ACMG Guidelines, 2015. Collection method: clinical testing. Allele origin: germline.
Comment: KCNC1 NM_001112741.1 exon 1 p.Asp141Tyr (c.421G>T): This variant has not been reported in the literature but is present in 16/114812 European alleles in the Genome Aggregation Database. Evolutionary conservation and computational predictive tools for this variant are unclear. In summary, data on this variant is insufficient for disease classification. Therefore, the clinical significance of this variant is uncertain.

Ambry Genetics
Classification: Likely benign for Inborn genetic diseases. Last evaluated: 2018-03-15. Review status: criteria provided, single submitter. Criteria: Ambry Variant Classification Scheme 2023. Collection method: clinical testing. Allele origin: germline.